The following is an entry in ClinVar:

NM_000062.3(SERPING1):c.1250-1G>A

Gene: SERPING1 (serpin family G member 1; plus strand). Cytogenetic location: 11q12.1.
Variant type: single nucleotide variant.
Coding change: c.1250-1G>A on transcript NM_000062.3 (MANE Select); the canonical splice acceptor site of the intron before coding-DNA position 1250, G replaced by A.
Molecular consequence: splice acceptor variant.
Genome position (GRCh38, 1-based): chr11:57,614,327, G>A. VCF-style: chr11-57614327-G-A. GRCh37 (hg19) VCF-style: chr11-57381800-G-A.
Other names: c.1250-1G>A (NM_001032295.2).
Identifiers: ClinVar variation 3256121 (VCV003256121.2).
Genomic context (GRCh38, chr11:57,614,327, plus strand): 5'-CTCCATCAGCTGAGGGTATCATGCTGGCTTCTGACTCTGTTTTTCTCTGGTTTTGCCCTA[G>A]AATTCTTCGATTTTTCTTATGACCTTAACCTGTGTGGGCTGACAGAGGACCCAGATCTTC-3'

ClinVar aggregate classification (germline): Pathogenic (1 of 4 stars; one submission).

Conditions:
Hereditary angioedema type 1 (HAE1). Identifiers: Orphanet 100050, Orphanet 100051, Orphanet 91378, MedGen C2717906, MONDO:0015053, OMIM 106100.

Submission:

DNA-diagnostics Laboratory, Research Centre For Medical Genetics
Classification: Pathogenic for Hereditary angioedema type 1. Last evaluated: 2024-07-27. Review status: criteria provided, single submitter. Criteria: ACMG Guidelines, 2015. Collection method: research. Allele origin: germline. Inheritance: Autosomal dominant inheritance. Affected: yes. Observed: 2 variant alleles, 2 heterozygotes. Clinical features observed: Angioedema (HP:0100665), C1 esterase inhibitor deficiency.
Comment: According to our observation and published information (Aabom et al., 2017, Loules et al., 2018), the c.1250-1G>A variant in SERPING1 meets ACMG/ClinGen SVI guidance criteria to be classified as pathogenic: PVS1_Str, PP4_Str, PS4_Mod, PM2_Sup, PP1

Literature cited by the submitters: PubMed 28302171; DOI 10.1016/j.gene.2018.05.029.